The following is an entry in ClinVar:

ClinVar aggregate classification (germline): Uncertain significance. Review status: criteria provided, multiple submitters, no conflicts (2 of 4 stars). 3 submissions from 3 submitters: Uncertain significance (3). Last evaluated 2025-07-30.

Conditions:
Hereditary cancer-predisposing syndrome. Also called: Hereditary neoplastic syndrome; Neoplastic Syndromes, Hereditary; Tumor predisposition; Hereditary Cancer Syndrome. Identifiers: Orphanet 140162, MedGen C0027672, MeSH D009386, MONDO:0015356.
Nijmegen breakage syndrome-like disorder (NBSLD). Also called: MICROCEPHALY AND SPONTANEOUS CHROMOSOME INSTABILITY WITHOUT IMMUNODEFICIENCY; NBS-LIKE DISORDER; RAD50 DEFICIENCY. Identifiers: Orphanet 240760, MedGen C2751318, MONDO:0013118, OMIM 613078.

Allele frequency attached by ClinVar (database versions not stated): gnomAD exomes below 0.00001 and 0.00001; TOPMed below 0.00001; gnomAD 0.00001; ExAC 0.00002.
gnomAD v4.1: 6 of 1,613,904 alleles (0.00037%); highest among the groups gnomAD compares: Non-Finnish European, 0.00034%; no homozygotes.

Submissions (3):

Labcorp Genetics (formerly Invitae), Labcorp
Classification: Uncertain significance for Hereditary cancer-predisposing syndrome. Last evaluated: 2025-07-30. Review status: criteria provided, single submitter. Criteria: Invitae Variant Classification Sherloc (09022015). Collection method: clinical testing. Allele origin: germline.
Comment: This sequence change replaces serine, which is neutral and polar, with cysteine, which is neutral and slightly polar, at codon 1280 of the RAD50 protein (p.Ser1280Cys). This variant is present in population databases (rs747522239, gnomAD 0.009%). This variant has not been reported in the literature in individuals affected with RAD50-related conditions. ClinVar contains an entry for this variant (Variation ID: 185783). Invitae Evidence Modeling of protein sequence and biophysical properties (such as structural, functional, and spatial information, amino acid conservation, physicochemical variation, residue mobility, and thermodynamic stability) indicates that this missense variant is expected to disrupt RAD50 protein function with a positive predictive value of 80%. In summary, the available evidence is currently insufficient to determine the role of this variant in disease. Therefore, it has been classified as a Variant of Uncertain Significance.

Ambry Genetics
Classification: Uncertain significance for Hereditary cancer-predisposing syndrome. Last evaluated: 2023-12-16. Review status: criteria provided, single submitter. Criteria: Ambry Variant Classification Scheme 2023. Collection method: clinical testing. Allele origin: germline.
Comment: The p.S1280C variant (also known as c.3839C>G), located in coding exon 25 of the RAD50 gene, results from a C to G substitution at nucleotide position 3839. The serine at codon 1280 is replaced by cysteine, an amino acid with dissimilar properties. This amino acid position is highly conserved in available vertebrate species. In addition, this alteration is predicted to be deleterious by in silico analysis. Since supporting evidence is limited at this time, the clinical significance of this alteration remains unclear.

Sema4
Classification: Uncertain significance for Nijmegen breakage syndrome-like disorder. Last evaluated: 2021-04-29. Review status: criteria provided, single submitter. Criteria: Sema4 Curation Guidelines. Collection method: curation. Allele origin: germline.
Comment: The RAD50 c.3839C>G (p.S1280C) variant has been reported in heterozygosity in at least four individuals with breast cancer (PMID: 33471991). However, it was also found at a similar frequency in control samples from the same study, indicating the variant was not enriched in cases compared to controls. This variant was observed in 2/21646 chromosomes in the Finnish population according to the Genome Aggregation Database (PMID: 32461654) and has been reported in ClinVar (Variation ID: 185783). In silico tools suggest the impact of the variant on protein function is inconclusive, though these predictions have not been confirmed by functional studies. Based on the current evidence available, this variant is interpreted as a variant of uncertain significance.

Literature cited by the submitters: PubMed 33471991 (cited by Sema4).

NM_005732.4(RAD50):c.3839C>G (p.Ser1280Cys)

Genes: RAD50 (RAD50 double strand break repair protein; plus strand), TH2LCRR (T helper type 2 locus control region associated RNA; minus strand). Cytogenetic location: 5q31.1.
Variant type: single nucleotide variant.
Coding change: c.3839C>G on transcript NM_005732.4 (MANE Select); coding-DNA position 3839, C replaced by G.
Protein change: p.Ser1280Cys; replaces serine 1280 with cysteine.
Molecular consequence: missense variant. On other transcripts: non-coding transcript variant (1).
Genome position (GRCh38, 1-based): chr5:132,642,264, C>G. VCF-style: chr5-132642264-C-G. GRCh37 (hg19) VCF-style: chr5-131977956-C-G.
Other names: short protein forms S1280C.
Identifiers: ClinVar variation 185783 (VCV000185783.17), dbSNP rs747522239, ClinGen allele CA192934.